The following is an entry in ClinVar:

ClinVar aggregate classification (germline): Likely pathogenic (1 of 4 stars; one submission).

Conditions:
Ehlers-Danlos syndrome, kyphoscoliotic type 1 (EDSKSCL1). Also called: Ehlers-Danlos syndrome, hydroxylysine-deficient; EHLERS-DANLOS SYNDROME, TYPE VIA; EHLERS-DANLOS SYNDROME, OCULAR-SCOLIOTIC TYPE; PLOD1-Related Kyphoscoliotic Ehlers-Danlos Syndrome. Identifiers: Orphanet 1900, MedGen C0268342, MONDO:0016002, OMIM 225400. Disease mechanism: loss of function.

Allele frequency attached by ClinVar (database versions not stated): gnomAD exomes below 0.00001; ExAC 0.00001.

Submission:

Women's Health and Genetics/Laboratory Corporation of America, LabCorp
Classification: Likely pathogenic for Ehlers-Danlos syndrome, kyphoscoliotic type 1. Last evaluated: 2023-05-22. Review status: criteria provided, single submitter. Criteria: LabCorp Variant Classification Summary - May 2015. Collection method: clinical testing. Allele origin: germline.
Comment: Variant summary: PLOD1 c.1585-2A>G is located in a canonical splice-site and is predicted to affect mRNA splicing resulting in a significantly altered protein due to either exon skipping, shortening, or inclusion of intronic material. Several computational tools predict a significant impact on normal splicing: Four of four predict the variant abolishes the canonical 3' acceptor site. However, these predictions have yet to be confirmed by functional studies. The variant allele was found at a frequency of 4.2e-06 in 237474 control chromosomes (gnomAD). To our knowledge, no occurrence of c.1585-2A>G in individuals affected with Ehlers-Danlos Syndrome Type VI and no experimental evidence demonstrating its impact on protein function have been reported. No clinical diagnostic laboratories have submitted clinical-significance assessments for this variant to ClinVar after 2014. Based on the evidence outlined above, the variant was classified as likely pathogenic.

NM_000302.4(PLOD1):c.1585-2A>G

Gene: PLOD1 (procollagen-lysine,2-oxoglutarate 5-dioxygenase 1; plus strand). Cytogenetic location: 1p36.22.
Variant type: single nucleotide variant.
Coding change: c.1585-2A>G on transcript NM_000302.4 (MANE Select); the canonical splice acceptor site of the intron before coding-DNA position 1585, A replaced by G.
Molecular consequence: splice acceptor variant.
Genome position (GRCh38, 1-based): chr1:11,966,249, A>G. VCF-style: chr1-11966249-A-G. GRCh37 (hg19) VCF-style: chr1-12026306-A-G.
Other names: c.1726-2A>G (NM_001316320.2).
Identifiers: ClinVar variation 2506175 (VCV002506175.1), dbSNP rs769451292, ClinGen allele CA598474.